The following is an entry in ClinVar:

NM_000252.3(MTM1):c.628del (p.Asp210fs)

Gene: MTM1 (myotubularin 1; plus strand). Cytogenetic location: Xq28.
Variant type: Deletion.
Coding change: c.628del on transcript NM_000252.3 (MANE Select); coding-DNA position 628, one base deleted (G; older notation c.628delG).
Protein change: p.Asp210fs; shifts the reading frame from aspartic acid 210.
Molecular consequence: frameshift variant.
Genome position (GRCh38, 1-based): chrX:150,641,368, G deleted. VCF-style (leftmost placement, unchanged base first): chrX-150641367-AG-A. GRCh37 (hg19) VCF-style: chrX-149809840-AG-A.
Other names: c.628del, p.Asp210fs (NM_001376906.1, NM_001376908.1); c.517del, p.Asp173fs (NM_001376907.1); short protein forms D173fs, D210fs.
Identifiers: ClinVar variation 4532164 (VCV004532164.2).
Genomic context (GRCh38, chrX:150,641,367, plus strand): 5'-TAAGTGCTATGAGCTCTGTGACACTTACCCTGCTCTTTTGGTGGTTCCGTATCGTGCCTC[AG>A]ATGATGACCTCCGGAGAGTTGCAACTTTTAGGTCCCGAAATCGAATTCCAGTGAGTACTG-3'

ClinVar aggregate classification (germline): Pathogenic (1 of 4 stars; one submission).

Conditions:
Severe X-linked myotubular myopathy (CNMX). Also called: MYOTUBULAR MYOPATHY 1; X-linked centronuclear myopathy; Myotubular myopathy, X-linked. Identifiers: Orphanet 596, MedGen C0410203, MONDO:0010683, OMIM 310400.

Submission:

Victorian Clinical Genetics Services, Murdoch Childrens Research Institute
Classification: Pathogenic for Severe X-linked myotubular myopathy. Last evaluated: 2026-03-13. Review status: criteria provided, single submitter. Criteria: ACMG Guidelines, 2015. Collection method: clinical testing. Allele origin: germline. Affected: yes.
Comment: This variant is classified as Pathogenic. Evidence in support of pathogenic classification: Variant is predicted to cause nonsense-mediated decay (NMD) and loss of protein (premature termination codon is located at least 54 nucleotides upstream of the final exon-exon junction); Variant is absent from gnomAD (v2, v3 and v4); Other NMD-predicted variant(s) comparable to the one identified in this case have very strong previous evidence for pathogenicity (DECIPHER). Additional information: This variant is heterozygous; This gene is associated with X-linked disease; This variant has no previous evidence of pathogenicity; No published evidence of segregation with disease has been identified for this variant; No published functional evidence has been identified for this variant; Loss of function is a known mechanism of disease in this gene and is associated with X-linked centronuclear myopathy (MIM#310400); Variants in this gene are known to have variable expressivity. Severity in female heterozygotes ranges from severe neonatal and generalized weakness, to milder adult forms, and showed the occurrence of skewed X-inactivation (PMID: 28685322).

Literature cited by the submitters: PubMed 28685322.